The following is an entry in ClinVar:

NM_001006630.2(CHRM2):c.1044G>A (p.Gly348=)

Genes: CHRM2 (cholinergic receptor muscarinic 2; plus strand), LOC349160 (uncharacterized LOC349160; minus strand). Cytogenetic location: 7q33.
Variant type: single nucleotide variant.
Coding change: c.1044G>A on transcript NM_001006630.2 (MANE Select); coding-DNA position 1044, G replaced by A.
Protein change: p.Gly348=; no amino-acid change (glycine 348 retained).
Molecular consequence: synonymous variant.
Genome position (GRCh38, 1-based): chr7:137,015,909, G>A. VCF-style: chr7-137015909-G-A. GRCh37 (hg19) VCF-style: chr7-136700656-G-A.
Other names: c.1044G>A, p.Gly348= (NM_000739.3, NM_001006626.3, NM_001006627.3 and 6 more transcripts).
Identifiers: ClinVar variation 390655 (VCV000390655.1), dbSNP rs1057523853, ClinGen allele CA16605232.
Genomic context (GRCh38, chr7:137,015,909, plus strand): 5'-CACCAAGACCCCAAAAAGTGACTCATGTACCCCAACTAATACCACCGTGGAGGTAGTGGG[G>A]TCTTCAGGTCAGAATGGAGATGAAAAGCAGAATATTGTAGCCCGCAAGATTGTGAAGATG-3'
Protein context (NP_001006631.1, residues 338-358): TPTNTTVEVV[Gly348=]SSGQNGDEKQ

ClinVar aggregate classification (germline): Likely benign (1 of 4 stars; one submission).

gnomAD v4.1: 2 of 1,613,160 alleles (0.00012%); highest among the groups gnomAD compares: Non-Finnish European, 0.00017%; no homozygotes.

Submission:

GeneDx
Classification: Likely benign. Last evaluated: 2016-11-07. Review status: criteria provided, single submitter. Criteria: GeneDx Variant Classification (06012015). Collection method: clinical testing. Allele origin: germline. Affected: yes.
Comment: This variant is considered likely benign or benign based on one or more of the following criteria: it is a conservative change, it occurs at a poorly conserved position in the protein, it is predicted to be benign by multiple in silico algorithms, and/or has population frequency not consistent with disease.